The following is an entry in ClinVar:

NM_006231.4(POLE):c.4522C>T (p.Arg1508Cys)

Gene: POLE (DNA polymerase epsilon, catalytic subunit; minus strand). Cytogenetic location: 12q24.33.
Variant type: single nucleotide variant.
Coding change: c.4522C>T on transcript NM_006231.4 (MANE Select); coding-DNA position 4522, C replaced by T.
Protein change: p.Arg1508Cys; replaces arginine 1508 with cysteine.
Molecular consequence: missense variant.
Genome position (GRCh38, 1-based): chr12:132,643,253, G>A on the plus strand (C>T on the coding strand, the complement: POLE is on the minus strand). VCF-style: chr12-132643253-G-A. GRCh37 (hg19) VCF-style: chr12-133219839-G-A.
Other names: short protein forms R1508C.
Identifiers: ClinVar variation 473671 (VCV000473671.25), dbSNP rs766511597, ClinGen allele CA6892819.

ClinVar aggregate classification (germline): Uncertain significance. Review status: criteria provided, multiple submitters, no conflicts (2 of 4 stars). 6 submissions from 6 submitters: Uncertain significance (5). 1 of the submissions does not count toward it. Last evaluated 2026-01-18.

Conditions:
Hereditary cancer-predisposing syndrome. Also called: Neoplastic Syndromes, Hereditary; Tumor predisposition; Hereditary Cancer Syndrome; Hereditary neoplastic syndrome. Identifiers: Orphanet 140162, MedGen C0027672, MeSH D009386, MONDO:0015356.
Colorectal cancer, susceptibility to, 12 (CRCS12). Also called: COLORECTAL CANCER, SUSCEPTIBILITY TO, ON CHROMOSOME 12q24. Identifiers: Orphanet 220460, MedGen C3554460, MONDO:0014038, OMIM 615083.

Allele frequency attached by ClinVar (database versions not stated): ExAC 0.00001; TOPMed 0.00002; gnomAD 0.00003.
gnomAD v4.1: 16 of 1,613,700 alleles (0.00099%); highest among the groups gnomAD compares: Admixed American, 0.012%; no homozygotes.

Submissions (6):

Labcorp Genetics (formerly Invitae), Labcorp
Classification: Uncertain significance. Last evaluated: 2026-01-18. Review status: criteria provided, single submitter. Criteria: Invitae Variant Classification Sherloc (09022015). Collection method: clinical testing. Allele origin: germline.
Comment: This sequence change replaces arginine, which is basic and polar, with cysteine, which is neutral and slightly polar, at codon 1508 of the POLE protein (p.Arg1508Cys). This variant is present in population databases (rs766511597, gnomAD 0.009%). This variant has not been reported in the literature in individuals affected with POLE-related conditions. ClinVar contains an entry for this variant (Variation ID: 473671). Invitae Evidence Modeling of protein sequence and biophysical properties (such as structural, functional, and spatial information, amino acid conservation, physicochemical variation, residue mobility, and thermodynamic stability) indicates that this missense variant is not expected to disrupt POLE protein function with a negative predictive value of 80%. In summary, the available evidence is currently insufficient to determine the role of this variant in disease. Therefore, it has been classified as a Variant of Uncertain Significance.

Ambry Genetics
Classification: Uncertain significance for Hereditary cancer-predisposing syndrome. Last evaluated: 2024-12-05. Review status: criteria provided, single submitter. Criteria: Ambry Variant Classification Scheme 2023. Collection method: clinical testing. Allele origin: germline.
Comment: The p.R1508C variant (also known as c.4522C>T), located in coding exon 35 of the POLE gene, results from a C to T substitution at nucleotide position 4522. The arginine at codon 1508 is replaced by cysteine, an amino acid with highly dissimilar properties. This amino acid position is highly conserved in available vertebrate species. In addition, the in silico prediction for this alteration is inconclusive. Based on the available evidence, the clinical significance of this variant remains unclear.

GeneDx
Classification: Uncertain significance. Last evaluated: 2022-12-19. Review status: criteria provided, single submitter. Criteria: GeneDx Variant Classification Process June 2021. Collection method: clinical testing. Allele origin: germline. Affected: yes.
Comment: In silico analysis supports that this missense variant has a deleterious effect on protein structure/function; Has not been previously published as pathogenic or benign to our knowledge; This variant is associated with the following publications: (PMID: 27149842, 28427513, 29955133, 29320758)

Sema4
Classification: Uncertain significance for Hereditary cancer-predisposing syndrome. Last evaluated: 2021-05-18. Review status: criteria provided, single submitter. Criteria: Sema4 Curation Guidelines. Collection method: curation. Allele origin: germline.
Comment: To the best of our knowledge, the POLE c.4522C>T (p.R1508C) variant has not been reported in individuals with POLE-related disease. It was observed in 3/35358 chromosomes of the Latino subpopulation in the large and broad cohorts of the Genome Aggregation Database (PMID: 32461654). The variant has been reported in ClinVar (Variation ID: 473671). In silico tools suggest the impact of the variant on protein function is inconclusive though these predictions have not been confirmed by functional studies. The evidence is insufficient to meet ACMG/AMP criteria for classifying the variant as benign or pathogenic. Thus, the clinical significance of this variant is currently uncertain.

Genetic Services Laboratory, University of Chicago
Classification: Uncertain significance. Last evaluated: 2020-11-05. Review status: criteria provided, single submitter. Criteria: ACMG Guidelines, 2015. Collection method: clinical testing. Allele origin: germline. Affected: no.
Comment: DNA sequence analysis of the POLE gene demonstrated a sequence change, c.4522C>T, in exon 35 that results in an amino acid change, p.Arg1508Cys. This sequence change does not appear to have been previously described in patients with POLE-related disorders and has been described in the gnomAD database with an overall population frequency of 0.008% (dbSNP rs766511597). The p.Arg1508Cys change affects a moderately conserved amino acid residue located in a domain of the POLE protein that is not known to be functional. The p.Arg1508Cys substitution appears to be deleterious using several in-silico pathogenicity prediction tools (SIFT, PolyPhen2, Align GVGD, REVEL). Due to these contrasting evidences and the lack of functional studies, the clinical significance of the p.Arg1508Cys change remains unknown at this time.

Counsyl
Classification: Uncertain significance for Colorectal cancer, susceptibility to, 12. Last evaluated: 2018-05-29. Review status: no assertion criteria provided. Collection method: clinical testing. Allele origin: unknown. Not counted in ClinVar's aggregate classification.